The following is an entry in ClinVar:

NM_172107.4(KCNQ2):c.1545G>C (p.Glu515Asp)

Gene: KCNQ2 (potassium voltage-gated channel subfamily Q member 2; minus strand). Cytogenetic location: 20q13.33.
Variant type: single nucleotide variant.
Coding change: c.1545G>C on transcript NM_172107.4 (MANE Select); coding-DNA position 1545, G replaced by C.
Protein change: p.Glu515Asp; replaces glutamic acid 515 with aspartic acid.
Molecular consequence: missense variant.
Genome position (GRCh38, 1-based): chr20:63,414,174, C>G on the plus strand (G>C on the coding strand, the complement: KCNQ2 is on the minus strand). VCF-style: chr20-63414174-C-G. GRCh37 (hg19) VCF-style: chr20-62045527-C-G.
Other names: p.E515D:GAG>GAC; c.1461G>C, p.Glu487Asp (NM_004518.6); c.1491G>C, p.Glu497Asp (NM_172106.3); c.1452G>C, p.Glu484Asp (NM_172108.5); short protein forms E515D, E487D, E497D, E484D.
Identifiers: ClinVar variation 21764 (VCV000021764.50), dbSNP rs117067974, ClinGen allele CA288924.

ClinVar aggregate classification (germline): Conflicting classifications of pathogenicity. Review status: criteria provided, conflicting classifications (1 of 4 stars). 9 submissions from 9 submitters: Uncertain significance (1); Benign (7); Likely benign (1). Last evaluated 2026-06-01.

Conditions:
Paroxysmal central nervous system disorders.
Early-infantile DEE. Also called: Ohtahara syndrome; Early infantile epileptic encephalopathy; Early infantile epileptic encephalopathy with suppression bursts. Identifiers: Orphanet 1934, MedGen C0393706, MONDO:0800491.
Inborn genetic diseases. Identifiers: MedGen C0950123, MeSH D030342.
Seizures, benign familial neonatal, 1. Also called: Benign Neonatal Epilepsy 1; KCNQ2-Related Self-Limited Familial Neonatal Epilepsy (SLFNE); KCNQ2-Related Benign Familial Neonatal Epilepsy; Seizures, benign neonatal, 1. Identifiers: Orphanet 1949, MedGen C3149074, MONDO:0007365, OMIM 121200.

Allele frequency attached by ClinVar (database versions not stated): 1000 Genomes Project 30x 0.00547; 1000 Genomes Project 0.00599; gnomAD 0.00220; TOPMed 0.00244.
gnomAD v4.1: 1,868 of 1,613,606 alleles (0.12%); highest among the groups gnomAD compares: East Asian, 3.7%; 36 homozygotes.

Submissions (10):

CeGaT Center for Human Genetics Tuebingen
Classification: Benign. Last evaluated: 2026-06-01. Review status: criteria provided, single submitter. Criteria: CeGaT Center For Human Genetics Tuebingen Variant Classification Criteria Version 2. Collection method: clinical testing. Allele origin: germline. Affected: yes. Observed: 4 variant alleles.
Comment: KCNQ2: PP2, BS1, BS2

Labcorp Genetics (formerly Invitae), Labcorp
Classification: Benign for Early-infantile DEE. Last evaluated: 2026-01-14. Review status: criteria provided, single submitter. Criteria: Invitae Variant Classification Sherloc (09022015). Collection method: clinical testing. Allele origin: germline.

Cambridge Genomics Laboratory, East Genomic Laboratory Hub, NHS Genomic Medicine Service
Classification: Likely benign for Paroxysmal central nervous system disorders. Last evaluated: 2025-03-12. Review status: criteria provided, single submitter. Criteria: ACGS Best Practice Guidelines for Variant Classification in Rare Disease 2020. Collection method: clinical testing. Allele origin: germline. Affected: yes.
Comment: BS1_Strong,BP1

Mayo Clinic Laboratories, Mayo Clinic
Classification: Benign. Last evaluated: 2022-07-12. Review status: criteria provided, single submitter. Criteria: ACMG Guidelines, 2015. Collection method: clinical testing. Allele origin: germline. Observed: 3 variant alleles.
Comment: BS1, BS2, BP5

Genetic Services Laboratory, University of Chicago
Classification: Benign. Last evaluated: 2021-08-30. Review status: criteria provided, single submitter. Criteria: ACMG Guidelines, 2015. Collection method: clinical testing. Allele origin: germline. Affected: no.

GeneDx
Classification: Benign. Last evaluated: 2020-09-01. Review status: criteria provided, single submitter. Criteria: GeneDx Variant Classification Process June 2021. Collection method: clinical testing. Allele origin: germline. Affected: yes.
Comment: This variant is associated with the following publications: (PMID: 27779742, 32169601, 31180159, 20981092, 22995991, 19380078, 25819767, 28399683, 28038823, 30558019, 31199083)

Eurofins Ntd Llc (ga)
Classification: Benign. Last evaluated: 2017-08-30. Review status: criteria provided, single submitter. Criteria: EGL Classification Definitions 2015. Collection method: clinical testing. Allele origin: germline. Observed: 1 variant allele, 1 heterozygote.

Ambry Genetics
Classification: Benign for Inborn genetic diseases. Last evaluated: 2016-11-02. Review status: criteria provided, single submitter. Criteria: Ambry Variant Classification Scheme 2023. Collection method: clinical testing. Allele origin: germline.

Soonchunhyang University Bucheon Hospital, Soonchunhyang University Medical Center
Classification: Uncertain significance for Seizures, benign familial neonatal, 1. Last evaluated: 2016-03-18. Review status: criteria provided, single submitter. Criteria: ACMG Guidelines, 2015. Collection method: reference population. Allele origin: germline. Observed: 8 variant alleles.

Channelopathy-Associated Epilepsy Research Center
No classification provided (evidence only). Condition: Complex neurodevelopmental disorder. Review status: no classification provided. Collection method: literature only. Allele origin: not applicable. Functional consequence: Normal peak current, Normal rate of activation, Normal voltage dependence of activation. Not counted in ClinVar's aggregate classification.
ClinVar note: "not provided" was previously submitted as the classification for the variant. However, the classification appeared to be based only on an observation of functional data so it was converted to no classification on 2025-07-30.

Literature cited by the submitters: PubMed 19380078 (cited by Mayo Clinic Laboratories, Mayo Clinic and Soonchunhyang University Bucheon Hospital, Soonchunhyang University Medical Center); PubMed 25819767 (cited by Mayo Clinic Laboratories, Mayo Clinic); PubMed 27779742 (cited by Mayo Clinic Laboratories, Mayo Clinic); PubMed 28038823 (cited by Mayo Clinic Laboratories, Mayo Clinic); PubMed 28399683 (cited by Mayo Clinic Laboratories, Mayo Clinic); PubMed 28686619 (cited by Mayo Clinic Laboratories, Mayo Clinic); PubMed 30558019 (cited by Mayo Clinic Laboratories, Mayo Clinic); PubMed 31180159 (cited by Mayo Clinic Laboratories, Mayo Clinic); PubMed 34426522 (cited by Mayo Clinic Laboratories, Mayo Clinic); PubMed 35104249 (cited by Channelopathy-Associated Epilepsy Research Center).